The following is an entry in ClinVar:

ClinVar aggregate classification (germline): Pathogenic (1 of 4 stars; one submission).

Submission:

GeneDx
Classification: Pathogenic. Last evaluated: 2024-12-11. Review status: criteria provided, single submitter. Criteria: GeneDx Variant Classification Process June 2021. Collection method: clinical testing. Allele origin: germline. Affected: yes.
Comment: Nonsense variant predicted to result in protein truncation or nonsense mediated decay in a gene for which loss of function is a known mechanism of disease; Not observed at significant frequency in large population cohorts (gnomAD); Has not been previously published as pathogenic or benign to our knowledge

NM_001165963.4(SCN1A):c.2871G>A (p.Trp957Ter)

Gene: SCN1A (sodium voltage-gated channel alpha subunit 1; minus strand). Cytogenetic location: 2q24.3.
Variant type: single nucleotide variant.
Coding change: c.2871G>A on transcript NM_001165963.4 (MANE Select); coding-DNA position 2871, G replaced by A.
Protein change: p.Trp957Ter; replaces tryptophan 957 with a stop codon.
Molecular consequence: nonsense. On other transcripts: non-coding transcript variant (1).
Genome position (GRCh38, 1-based): chr2:166,037,851, C>T on the plus strand (G>A on the coding strand, the complement: SCN1A is on the minus strand). VCF-style: chr2-166037851-C-T. GRCh37 (hg19) VCF-style: chr2-166894361-C-T.
Other names: c.2787G>A, p.Trp929Ter (NM_001165964.3, NM_001353957.2, NM_001353958.2); c.2871G>A, p.Trp957Ter (NM_001202435.3, NM_001353948.2); c.2838G>A, p.Trp946Ter (NM_001353949.2, NM_001353950.2, NM_001353951.2 and 2 more transcripts); c.2835G>A, p.Trp945Ter (NM_001353954.2, NM_001353955.2); c.2784G>A, p.Trp928Ter (NM_001353960.2); c.429G>A, p.Trp143Ter (NM_001353961.2); short protein forms W143*, W928*, W929*, W945*, W946*, W957*.
Identifiers: ClinVar variation 3338709 (VCV003338709.2).
Genomic context (GRCh38, chr2:166,037,851, plus strand): 5'-CACCATGACCATCATGAAGACAGTAAGGCACATGGCTTGACCAGCAACCTCCATACAGTC[C>T]CACATGGTCTCTATCCACTCCCCACACAGCACGCGGAACACAATCAGGAAGGAGTGGAAG-3'